The following is an entry in ClinVar:

ClinVar aggregate classification (germline): Pathogenic (1 of 4 stars; one submission).

Conditions:
Hypodontia. Also called: Partial congenital absence of teeth; TOOTH AGENESIS, FAMILIAL; Tooth agenesis, selective. Identifiers: Orphanet 99798, MedGen C0020608, MONDO:0005486, HP:0000668. Disease mechanism: loss of function.

Submission:

Labcorp Genetics (formerly Invitae), Labcorp
Classification: Pathogenic for Hypodontia. Last evaluated: 2025-09-21. Review status: criteria provided, single submitter. Criteria: Invitae Variant Classification Sherloc (09022015). Collection method: clinical testing. Allele origin: germline.
Comment: This sequence change creates a premature translational stop signal (p.Ala258Hisfs*30) in the PAX9 gene. While this is not anticipated to result in nonsense mediated decay, it is expected to disrupt the last 84 amino acid(s) of the PAX9 protein. This variant is not present in population databases (gnomAD no frequency). This premature translational stop signal has been observed in individual(s) with oligodontia (Internal data). Algorithms developed to predict the effect of sequence changes on RNA splicing suggest that this variant may disrupt the consensus splice site. This variant disrupts a region of the PAX9 protein in which other variant(s) (p.Val265Argfs*52) have been determined to be pathogenic (PMID: 11827258). This suggests that this is a clinically significant region of the protein, and that variants that disrupt it are likely to be disease-causing. For these reasons, this variant has been classified as Pathogenic.

Literature cited by the submitters: PubMed 11827258.

NC_000014.9:g.36676198del

Gene: PAX9 (paired box 9; plus strand). Cytogenetic location: 14q13.3.
Variant type: Deletion.
Genome position: GRCh38 VCF-style: chr14-36676196-AG-A. GRCh37 (hg19) VCF-style: chr14-37145401-AG-A.
Identifiers: ClinVar variation 4727529 (VCV004727529.1).